The following is an entry in ClinVar:

ClinVar aggregate classification (germline): Uncertain significance (1 of 4 stars; one submission).

Submission:

Ambry Genetics
Classification: Uncertain significance. Last evaluated: 2025-08-08. Review status: criteria provided, single submitter. Criteria: Ambry Variant Classification Scheme 2023. Collection method: clinical testing. Allele origin: germline.
Comment: The p.F277S variant (also known as c.830T>C), located in coding exon 6 of the RECQL gene, results from a T to C substitution at nucleotide position 830. The phenylalanine at codon 277 is replaced by serine, an amino acid with highly dissimilar properties. This amino acid position is conserved. In addition, this alteration is predicted to be deleterious by in silico analysis. Based on the available evidence, the clinical significance of this variant remains unclear.

NM_002907.4(RECQL):c.830T>C (p.Phe277Ser)

Gene: RECQL (RecQ like helicase; minus strand). Cytogenetic location: 12p12.1.
Variant type: single nucleotide variant.
Coding change: c.830T>C on transcript NM_002907.4 (MANE Select); coding-DNA position 830, T replaced by C.
Protein change: p.Phe277Ser; replaces phenylalanine 277 with serine.
Molecular consequence: missense variant.
Genome position (GRCh38, 1-based): chr12:21,477,840, A>G on the plus strand (T>C on the coding strand, the complement: RECQL is on the minus strand). VCF-style: chr12-21477840-A-G. GRCh37 (hg19) VCF-style: chr12-21630774-A-G.
Other names: c.830T>C, p.Phe277Ser (NM_032941.3); short protein forms F277S.
Identifiers: ClinVar variation 4152318 (VCV004152318.1).